The following is an entry in ClinVar:

NM_144670.6(A2ML1):c.1192C>G (p.Leu398Val)

Gene: A2ML1 (alpha-2-macroglobulin like 1; plus strand). Cytogenetic location: 12p13.31.
Variant type: single nucleotide variant.
Coding change: c.1192C>G on transcript NM_144670.6 (MANE Select); coding-DNA position 1192, C replaced by G.
Protein change: p.Leu398Val; replaces leucine 398 with valine.
Molecular consequence: missense variant.
Genome position (GRCh38, 1-based): chr12:8,841,480, C>G. VCF-style: chr12-8841480-C-G. GRCh37 (hg19) VCF-style: chr12-8994076-C-G.
Other names: short protein forms L398V.
Identifiers: ClinVar variation 3717367 (VCV003717367.2).

ClinVar aggregate classification (germline): Uncertain significance (1 of 4 stars; one submission).

gnomAD v4.1: 2 of 1,614,114 alleles (0.00012%); highest among the groups gnomAD compares: African/African-American, 0.0027%; no homozygotes.

Submission:

Labcorp Genetics (formerly Invitae), Labcorp
Classification: Uncertain significance. Last evaluated: 2025-01-28. Review status: criteria provided, single submitter. Criteria: Invitae Variant Classification Sherloc (09022015). Collection method: clinical testing. Allele origin: germline.
Comment: This sequence change replaces leucine, which is neutral and non-polar, with valine, which is neutral and non-polar, at codon 398 of the A2ML1 protein (p.Leu398Val). This variant is not present in population databases (gnomAD no frequency). This variant has not been reported in the literature in individuals affected with A2ML1-related conditions. An algorithm developed to predict the effect of missense changes on protein structure and function (PolyPhen-2) suggests that this variant is likely to be tolerated. In summary, the available evidence is currently insufficient to determine the role of this variant in disease. Therefore, it has been classified as a Variant of Uncertain Significance.